The following is an entry in ClinVar:

NM_001267550.2(TTN):c.71941G>A (p.Glu23981Lys)

Genes: TTN (titin; minus strand), TTN-AS1 (TTN antisense RNA 1; plus strand). Cytogenetic location: 2q31.2.
Variant type: single nucleotide variant.
Coding change: c.71941G>A on transcript NM_001267550.2 (MANE Select); coding-DNA position 71941, G replaced by A.
Protein change: p.Glu23981Lys; replaces glutamic acid 23981 with lysine.
Molecular consequence: missense variant.
Genome position (GRCh38, 1-based): chr2:178,574,191, C>T on the plus strand (G>A on the coding strand, the complement: TTN is on the minus strand). VCF-style: chr2-178574191-C-T. GRCh37 (hg19) VCF-style: chr2-179438918-C-T.
Other names: p.E21413K:GAG>AAG; c.67018G>A, p.Glu22340Lys (NM_001256850.1); c.44746G>A, p.Glu14916Lys (NM_003319.4); c.64237G>A, p.Glu21413Lys (NM_133378.4); c.45121G>A, p.Glu15041Lys (NM_133432.3); c.45322G>A, p.Glu15108Lys (NM_133437.4); short protein forms E21413K, E23981K, E22340K, E14916K, E15041K, E15108K.
Identifiers: ClinVar variation 202323 (VCV000202323.3), dbSNP rs794729246, ClinGen allele CA309085.

ClinVar aggregate classification (germline): Likely benign (1 of 4 stars; one submission).

Submission:

GeneDx
Classification: Likely benign. Last evaluated: 2012-09-28. Review status: criteria provided, single submitter. Criteria: GeneDx Variant Classification (06012015). Collection method: clinical testing. Allele origin: germline. Affected: yes.
Comment: This variant is considered likely benign or benign based on one or more of the following criteria: it is a conservative change, it occurs at a poorly conserved position in the protein, it is predicted to be benign by multiple in silico algorithms, and/or has population frequency not consistent with disease.